The following is an entry in ClinVar:

ClinVar aggregate classification (germline): Uncertain significance (1 of 4 stars; one submission).

Conditions:
RASopathy. Also called: rasopathies; Noonan spectrum disorder. Identifiers: Orphanet 536391, MedGen C5555857, MONDO:0021060.

Allele frequency attached by ClinVar (database versions not stated): gnomAD exomes below 0.00001; TOPMed below 0.00001; gnomAD 0.00001.
gnomAD v4.1: 3 of 1,605,646 alleles (0.00019%); highest among the groups gnomAD compares: Non-Finnish European, 0.00025%; no homozygotes.

Submission:

Labcorp Genetics (formerly Invitae), Labcorp
Classification: Uncertain significance for RASopathy. Last evaluated: 2025-11-05. Review status: criteria provided, single submitter. Criteria: Invitae Variant Classification Sherloc (09022015). Collection method: clinical testing. Allele origin: germline.
Comment: This sequence change replaces glutamic acid, which is acidic and polar, with lysine, which is basic and polar, at codon 167 of the MAP2K2 protein (p.Glu167Lys). This variant is not present in population databases (gnomAD no frequency). This variant has not been reported in the literature in individuals affected with MAP2K2-related conditions. ClinVar contains an entry for this variant (Variation ID: 1490428). Invitae Evidence Modeling of protein sequence and biophysical properties (such as structural, functional, and spatial information, amino acid conservation, physicochemical variation, residue mobility, and thermodynamic stability) has been performed for this missense variant. However, the output from this modeling did not meet the statistical confidence thresholds required to predict the impact of this variant on MAP2K2 protein function. In summary, the available evidence is currently insufficient to determine the role of this variant in disease. Therefore, it has been classified as a Variant of Uncertain Significance.

NM_030662.4(MAP2K2):c.499G>A (p.Glu167Lys)

Gene: MAP2K2 (mitogen-activated protein kinase kinase 2; minus strand). Cytogenetic location: 19p13.3.
Variant type: single nucleotide variant.
Coding change: c.499G>A on transcript NM_030662.4 (MANE Select); coding-DNA position 499, G replaced by A.
Protein change: p.Glu167Lys; replaces glutamic acid 167 with lysine.
Molecular consequence: missense variant.
Genome position (GRCh38, 1-based): chr19:4,102,405, C>T on the plus strand (G>A on the coding strand, the complement: MAP2K2 is on the minus strand). VCF-style: chr19-4102405-C-T. GRCh37 (hg19) VCF-style: chr19-4102403-C-T.
Other names: short protein forms E167K.
Identifiers: ClinVar variation 1490428 (VCV001490428.6), dbSNP rs1457335620, ClinGen allele CA403390105.